The following is an entry in ClinVar:

NM_014712.3(SETD1A):c.4951-5C>T

Gene: SETD1A (SET domain containing 1A, histone lysine methyltransferase; plus strand). Cytogenetic location: 16p11.2.
Variant type: single nucleotide variant.
Coding change: c.4951-5C>T on transcript NM_014712.3 (MANE Select); 5 bases into the intron before coding-DNA position 4951, C replaced by T.
Molecular consequence: intron variant.
Genome position (GRCh38, 1-based): chr16:30,983,845, C>T. VCF-style: chr16-30983845-C-T. GRCh37 (hg19) VCF-style: chr16-30995166-C-T.
Identifiers: ClinVar variation 3042609 (VCV003042609.2), dbSNP rs370481752, ClinGen allele CA8017758.

ClinVar aggregate classification (germline): Likely benign (0 of 4 stars; one submission).

Conditions:
SETD1A-related disorder. Also called: SETD1A-related condition.

Allele frequency attached by ClinVar (database versions not stated): ExAC 0.00009; ESP Exome Variant Server 0.00015; 1000 Genomes Project 30x 0.00016; 1000 Genomes Project 0.00020; gnomAD 0.00021; TOPMed 0.00046.

Submission:

PreventionGenetics, part of Exact Sciences
Classification: Likely benign for SETD1A-related condition. Last evaluated: 2019-06-25. Review status: no assertion criteria provided. Collection method: clinical testing. Allele origin: germline.
Comment: This variant is classified as likely benign based on ACMG/AMP sequence variant interpretation guidelines (Richards et al. 2015 PMID: 25741868, with internal and published modifications).